The following is an entry in ClinVar:

NM_015272.5(RPGRIP1L):c.2658G>A (p.Ser886=)

Gene: RPGRIP1L (RPGRIP1 like; minus strand). Cytogenetic location: 16q12.2.
Variant type: single nucleotide variant.
Coding change: c.2658G>A on transcript NM_015272.5 (MANE Select); coding-DNA position 2658, G replaced by A.
Protein change: p.Ser886=; no amino-acid change (serine 886 retained).
Molecular consequence: synonymous variant.
Genome position (GRCh38, 1-based): chr16:53,645,650, C>T on the plus strand (G>A on the coding strand, the complement: RPGRIP1L is on the minus strand). VCF-style: chr16-53645650-C-T. GRCh37 (hg19) VCF-style: chr16-53679562-C-T.
Other names: c.2658G>A, p.Ser886= (NM_001127897.4, NM_001308334.3, NM_001330538.2); c.2658G>A (NM_015272.4).
Identifiers: ClinVar variation 260599 (VCV000260599.17), dbSNP rs775153934, ClinGen allele CA8057506.

ClinVar aggregate classification (germline): Conflicting classifications of pathogenicity. Review status: criteria provided, conflicting classifications (1 of 4 stars). 7 submissions from 5 submitters: Uncertain significance (3); Likely benign (2). 2 of the submissions do not count toward it. Last evaluated 2025-10-29.

Conditions:
Meckel syndrome, type 5 (MKS5). Identifiers: Orphanet 564, MedGen C1969052, MONDO:0012695, OMIM 611561.
Joubert syndrome 7 (JBTS7). Identifiers: Orphanet 220497, MedGen C1969053, MONDO:0012694, OMIM 611560.
Joubert syndrome. Also called: Familial aplasia of the vermis; JOUBERT-BOLTSHAUSER SYNDROME. Identifiers: Orphanet 475, MedGen C5979921, MONDO:0018772.
RPGRIP1L-related disorder. Also called: RPGRIP1L-related disorders; RPGRIP1L-related condition. Identifiers: MedGen CN239416.
Meckel-Gruber syndrome. Also called: DYSENCEPHALIA SPLANCHNOCYSTICA; Dysencephalia splachnocystica; GRUBER SYNDROME. Identifiers: Orphanet 564, MedGen C0265215, MONDO:0018921.
Nephronophthisis 8. Identifiers: MedGen CN119610.

Allele frequency attached by ClinVar (database versions not stated): gnomAD exomes 0.00001 and 0.00003; TOPMed 0.00001; gnomAD 0.00002 and 0.00001; ExAC 0.00001.
gnomAD v4.1: 16 of 1,613,600 alleles (0.00099%); highest among the groups gnomAD compares: East Asian, 0.0067%; no homozygotes.

Submissions (7):

Labcorp Genetics (formerly Invitae), Labcorp
Classification: Likely benign for Joubert syndrome; Meckel-Gruber syndrome. Last evaluated: 2025-10-29. Review status: criteria provided, single submitter. Criteria: Invitae Variant Classification Sherloc (09022015). Collection method: clinical testing. Allele origin: germline.

Blueprint Genetics
Classification: Likely benign. Last evaluated: 2021-09-13. Review status: criteria provided, single submitter. Criteria: ACMG Guidelines, 2015. Collection method: clinical testing. Allele origin: germline.

Illumina Laboratory Services, Illumina
Classification: Uncertain significance for Joubert syndrome 7. Last evaluated: 2018-01-13. Review status: criteria provided, single submitter. Criteria: ICSL Variant Classification Criteria 13 December 2019. Collection method: clinical testing. Allele origin: germline.

Illumina Laboratory Services, Illumina
Classification: Uncertain significance for Meckel syndrome, type 5. Last evaluated: 2018-01-13. Review status: criteria provided, single submitter. Criteria: ICSL Variant Classification Criteria 13 December 2019. Collection method: clinical testing. Allele origin: germline.

Illumina Laboratory Services, Illumina
Classification: Uncertain significance for Nephronophthisis 8. Last evaluated: 2018-01-13. Review status: criteria provided, single submitter. Criteria: ICSL Variant Classification Criteria 13 December 2019. Collection method: clinical testing. Allele origin: germline.

PreventionGenetics, part of Exact Sciences
Classification: Likely benign for RPGRIP1L-related condition. Last evaluated: 2022-07-14. Review status: no assertion criteria provided. Collection method: clinical testing. Allele origin: germline. Not counted in ClinVar's aggregate classification.
Comment: This variant is classified as likely benign based on ACMG/AMP sequence variant interpretation guidelines (Richards et al. 2015 PMID: 25741868, with internal and published modifications).

Natera, Inc.
Classification: Uncertain significance for Joubert syndrome. Last evaluated: 2020-10-10. Review status: no assertion criteria provided. Collection method: clinical testing. Allele origin: germline. Not counted in ClinVar's aggregate classification.